The following is an entry in ClinVar:

ClinVar aggregate classification (germline): Uncertain significance (1 of 4 stars; one submission).

Conditions:
Growth hormone insensitivity with immune dysregulation 1, autosomal recessive. Also called: Laron syndrome with immunodeficiency; GROWTH HORMONE INSENSITIVITY SYNDROME WITH IMMUNE DYSREGULATION 1, AUTOSOMAL RECESSIVE; GROWTH HORMONE INSENSITIVITY DUE TO POSTRECEPTOR DEFECT; LARON SYNDROME DUE TO POSTRECEPTOR DEFECT. Identifiers: Orphanet 220465, MedGen C5435698, MONDO:0100211, OMIM 245590.

Submission:

Labcorp Genetics (formerly Invitae), Labcorp
Classification: Uncertain significance for Growth hormone insensitivity with immune dysregulation 1, autosomal recessive. Last evaluated: 2019-09-18. Review status: criteria provided, single submitter. Criteria: Invitae Variant Classification Sherloc (09022015). Collection method: clinical testing. Allele origin: germline.
Comment: In summary, the available evidence is currently insufficient to determine the role of this variant in disease. Therefore, it has been classified as a Variant of Uncertain Significance. Algorithms developed to predict the effect of missense changes on protein structure and function are either unavailable or do not agree on the potential impact of this missense change (SIFT: "Deleterious"; PolyPhen-2: "Possibly Damaging"; Align-GVGD: "Class C0"). This variant has not been reported in the literature in individuals with STAT5B-related conditions. This variant is not present in population databases (ExAC no frequency). This sequence change replaces alanine with threonine at codon 729 of the STAT5B protein (p.Ala729Thr). The alanine residue is highly conserved and there is a small physicochemical difference between alanine and threonine.

NM_012448.4(STAT5B):c.2185G>A (p.Ala729Thr)

Gene: STAT5B (signal transducer and activator of transcription 5B; minus strand). Cytogenetic location: 17q21.2.
Variant type: single nucleotide variant.
Coding change: c.2185G>A on transcript NM_012448.4 (MANE Select); coding-DNA position 2185, G replaced by A.
Protein change: p.Ala729Thr; replaces alanine 729 with threonine.
Molecular consequence: missense variant.
Genome position (GRCh38, 1-based): chr17:42,202,392, C>T on the plus strand (G>A on the coding strand, the complement: STAT5B is on the minus strand). VCF-style: chr17-42202392-C-T. GRCh37 (hg19) VCF-style: chr17-40354410-C-T.
Other names: short protein forms A729T.
Identifiers: ClinVar variation 961422 (VCV000961422.10), dbSNP rs200042237, ClinGen allele CA399573418.